The following is an entry in ClinVar:

ClinVar aggregate classification (germline): Uncertain significance (1 of 4 stars; one submission).

Conditions:
Long QT syndrome (LQTS). Identifiers: MedGen C0023976, MeSH D008133, MONDO:0002442. Disease mechanism: loss of function. Inheritance: Various modes of inheritance.

Submission:

Labcorp Genetics (formerly Invitae), Labcorp
Classification: Uncertain significance for Long QT syndrome. Last evaluated: 2025-09-27. Review status: criteria provided, single submitter. Criteria: Invitae Variant Classification Sherloc (09022015). Collection method: clinical testing. Allele origin: germline.
Comment: This sequence change replaces glutamic acid, which is acidic and polar, with aspartic acid, which is acidic and polar, at codon 785 of the CACNA1C protein (p.Glu785Asp). This variant is not present in population databases (gnomAD no frequency). This variant has not been reported in the literature in individuals affected with CACNA1C-related conditions. Invitae Evidence Modeling of protein sequence and biophysical properties (such as structural, functional, and spatial information, amino acid conservation, physicochemical variation, residue mobility, and thermodynamic stability) indicates that this missense variant is not expected to disrupt CACNA1C protein function with a negative predictive value of 95%. In summary, the available evidence is currently insufficient to determine the role of this variant in disease. Therefore, it has been classified as a Variant of Uncertain Significance.

NM_000719.7(CACNA1C):c.2355G>T (p.Glu785Asp)

Gene: CACNA1C (calcium voltage-gated channel subunit alpha1 C; plus strand). Cytogenetic location: 12p13.33.
Variant type: single nucleotide variant.
Coding change: c.2355G>T on transcript NM_000719.7 (MANE Select); coding-DNA position 2355, G replaced by T.
Protein change: p.Glu785Asp; replaces glutamic acid 785 with aspartic acid.
Molecular consequence: missense variant.
Genome position (GRCh38, 1-based): chr12:2,585,391, G>T. VCF-style: chr12-2585391-G-T. GRCh37 (hg19) VCF-style: chr12-2694557-G-T.
Other names: c.2355G>T, p.Glu785Asp (NM_001129827.2, NM_001129829.2, NM_001129830.3 and 18 more transcripts); c.2346G>T, p.Glu782Asp (NM_001129844.2); short protein forms E785D, E782D.
Identifiers: ClinVar variation 4745777 (VCV004745777.1).